The following is an entry in ClinVar:

NM_001040716.2(PC):c.2976G>C (p.Lys992Asn)

Gene: PC (pyruvate carboxylase; minus strand). Cytogenetic location: 11q13.2.
Variant type: single nucleotide variant.
Coding change: c.2976G>C on transcript NM_001040716.2 (MANE Select); coding-DNA position 2976, G replaced by C.
Protein change: p.Lys992Asn; replaces lysine 992 with asparagine.
Molecular consequence: missense variant.
Genome position (GRCh38, 1-based): chr11:66,849,782, C>G on the plus strand (G>C on the coding strand, the complement: PC is on the minus strand). VCF-style: chr11-66849782-C-G. GRCh37 (hg19) VCF-style: chr11-66617253-C-G.
Other names: c.2976G>C, p.Lys992Asn (NM_000920.4, NM_022172.3); short protein forms K992N.
Identifiers: ClinVar variation 1380865 (VCV001380865.6), dbSNP rs368895283, ClinGen allele CA224122158.

ClinVar aggregate classification (germline): Uncertain significance (1 of 4 stars; one submission).

Conditions:
Pyruvate carboxylase deficiency. Also called: PC DEFICIENCY; ATAXIA WITH LACTIC ACIDOSIS II; Pyruvate Carboxylase Deficiency Disease; LEIGH NECROTIZING ENCEPHALOPATHY DUE TO PYRUVATE CARBOXYLASE DEFICIENCY; LEIGH SYNDROME DUE TO PYRUVATE CARBOXYLASE DEFICIENCY. Identifiers: Orphanet 3008, MedGen C0034341, MONDO:0009949, OMIM 266150.

Submission:

Labcorp Genetics (formerly Invitae), Labcorp
Classification: Uncertain significance for Pyruvate carboxylase deficiency. Last evaluated: 2024-11-01. Review status: criteria provided, single submitter. Criteria: Invitae Variant Classification Sherloc (09022015). Collection method: clinical testing. Allele origin: germline.
Comment: This sequence change replaces lysine, which is basic and polar, with asparagine, which is neutral and polar, at codon 992 of the PC protein (p.Lys992Asn). This variant is not present in population databases (gnomAD no frequency). This variant has not been reported in the literature in individuals affected with PC-related conditions. ClinVar contains an entry for this variant (Variation ID: 1380865). Invitae Evidence Modeling of protein sequence and biophysical properties (such as structural, functional, and spatial information, amino acid conservation, physicochemical variation, residue mobility, and thermodynamic stability) indicates that this missense variant is not expected to disrupt PC protein function with a negative predictive value of 95%. In summary, the available evidence is currently insufficient to determine the role of this variant in disease. Therefore, it has been classified as a Variant of Uncertain Significance.